The following is an entry in ClinVar:

NM_006892.4(DNMT3B):c.776G>A (p.Arg259Gln)

Gene: DNMT3B (DNA methyltransferase 3 beta; plus strand). Cytogenetic location: 20q11.21.
Variant type: single nucleotide variant.
Coding change: c.776G>A on transcript NM_006892.4 (MANE Select); coding-DNA position 776, G replaced by A.
Protein change: p.Arg259Gln; replaces arginine 259 with glutamine.
Molecular consequence: missense variant.
Genome position (GRCh38, 1-based): chr20:32,788,975, G>A. VCF-style: chr20-32788975-G-A. GRCh37 (hg19) VCF-style: chr20-31376781-G-A.
Other names: c.650G>A, p.Arg217Gln (NM_001207055.2); c.548G>A, p.Arg183Gln (NM_001207056.2); c.776G>A, p.Arg259Gln (NM_175848.2, NM_175849.2); c.812G>A, p.Arg271Gln (NM_175850.3); short protein forms R183Q, R259Q, R217Q, R271Q.
Identifiers: ClinVar variation 648889 (VCV000648889.7), dbSNP rs772383693, ClinGen allele CA9810306.

ClinVar aggregate classification (germline): Uncertain significance (1 of 4 stars; one submission).

Conditions:
Centromeric instability of chromosomes 1,9 and 16 and immunodeficiency (ICF1). Also called: CENTROMERIC INSTABILITY, IMMUNODEFICIENCY SYNDROME; IMMUNE DEFICIENCY, VARIABLE, WITH CENTROMERIC INSTABILITY OF CHROMOSOMES 1, 9, AND 16; IMMUNODEFICIENCY SYNDROME, VARIABLE; Immunodeficiency-centromeric instability-facial anomalies. Identifiers: Orphanet 2268, MedGen C0398788, MONDO:0000133.

Allele frequency attached by ClinVar (database versions not stated): ExAC 0.00001; gnomAD exomes 0.00001; TOPMed 0.00001.
gnomAD v4.1: 25 of 1,614,072 alleles (0.0015%); highest among the groups gnomAD compares: African/African-American, 0.0027%; no homozygotes.

Submission:

Labcorp Genetics (formerly Invitae), Labcorp
Classification: Uncertain significance for Centromeric instability of chromosomes 1,9 and 16 and immunodeficiency. Last evaluated: 2022-04-29. Review status: criteria provided, single submitter. Criteria: Invitae Variant Classification Sherloc (09022015). Collection method: clinical testing. Allele origin: germline.
Comment: This sequence change replaces arginine, which is basic and polar, with glutamine, which is neutral and polar, at codon 259 of the DNMT3B protein (p.Arg259Gln). This variant is present in population databases (rs772383693, gnomAD 0.002%). This variant has not been reported in the literature in individuals affected with DNMT3B-related conditions. ClinVar contains an entry for this variant (Variation ID: 648889). Algorithms developed to predict the effect of missense changes on protein structure and function (SIFT, PolyPhen-2, Align-GVGD) all suggest that this variant is likely to be disruptive. Algorithms developed to predict the effect of sequence changes on RNA splicing suggest that this variant may create or strengthen a splice site. In summary, the available evidence is currently insufficient to determine the role of this variant in disease. Therefore, it has been classified as a Variant of Uncertain Significance.